The following is an entry in ClinVar:

NM_173495.3(PTCHD1):c.1491C>A (p.Asn497Lys)

Gene: PTCHD1 (patched domain containing 1; plus strand). Cytogenetic location: Xp22.11.
Variant type: single nucleotide variant.
Coding change: c.1491C>A on transcript NM_173495.3 (MANE Select); coding-DNA position 1491, C replaced by A.
Protein change: p.Asn497Lys; replaces asparagine 497 with lysine.
Molecular consequence: missense variant.
Genome position (GRCh38, 1-based): chrX:23,393,009, C>A. VCF-style: chrX-23393009-C-A. GRCh37 (hg19) VCF-style: chrX-23411126-C-A.
Other names: short protein forms N497K.
Identifiers: ClinVar variation 2634852 (VCV002634852.1), dbSNP rs35880456, ClinGen allele CA10369174.
Genomic context (GRCh38, chrX:23,393,009, plus strand): 5'-TTACGAGAGTCACCTATTGGTATGTTTCCTCAAACGCTATTACTGTGACTGGATAACCAA[C>A]ACCTATGTCAAGCCTTTTGTAGTTCTCTTTTACCTTATTTATATTTCCTTTGCCTTAATG-3'
Protein context (NP_775766.2, residues 487-507): LKRYYCDWIT[Asn497Lys]TYVKPFVVLF

ClinVar aggregate classification (germline): Uncertain significance (1 of 4 stars; one submission).

Conditions:
PTCHD1-related disorder. Also called: PTCHD1-related condition.

Allele frequency attached by ClinVar (database versions not stated): ExAC 0.00001; gnomAD 0.00002; TOPMed 0.00003; gnomAD exomes 0.00006.
gnomAD v4.1: 67 of 1,209,582 alleles (0.0055%); highest among the groups gnomAD compares: Non-Finnish European, 0.0066%; no homozygotes.

Submission:

PreventionGenetics, part of Exact Sciences
Classification: Uncertain significance for PTCHD1-related condition. Last evaluated: 2022-12-07. Review status: criteria provided, single submitter. Criteria: ACMG Guidelines, 2015. Collection method: clinical testing. Allele origin: germline.
Comment: The PTCHD1 c.1491C>A variant is predicted to result in the amino acid substitution p.Asn497Lys. To our knowledge, this variant has not been reported in the literature. This variant is reported in 0.0052% of alleles in individuals of African descent in gnomAD, including one hemizygote. At this time, the clinical significance of this variant is uncertain due to the absence of conclusive functional and genetic evidence.